The following is an entry in ClinVar:

NM_001368882.1(COL13A1):c.365-6_365-3del

Gene: COL13A1 (collagen type XIII alpha 1 chain; plus strand). Cytogenetic location: 10q22.1.
Variant type: Deletion.
Coding change: c.365-6_365-3del on transcript NM_001368882.1 (MANE Select); 6 bases into the intron before coding-DNA position 365 through 3 bases into the intron before coding-DNA position 365, 4 bases deleted (TTTC; older notation c.365-6_365-3delTTTC).
Molecular consequence: intron variant.
Genome position (GRCh38, 1-based): chr10:69,867,792-69,867,795, TTTC deleted; deleting any 4 consecutive bases within chr10:69,867,790-69,867,795 gives the same sequence; the c. name uses the placement nearest the transcript's 3' end. VCF-style (leftmost placement, unchanged base first): chr10-69867789-CTCTT-C. GRCh37 (hg19) VCF-style: chr10-71627545-CTCTT-C.
Other names: c.365-6_365-3del (NM_001320951.2, NM_001368884.1, NM_001130103.2 and 11 more transcripts); c.-289-6_-289-3del (NM_001368886.1).
Identifiers: ClinVar variation 4731108 (VCV004731108.1).

ClinVar aggregate classification (germline): Uncertain significance (1 of 4 stars; one submission).

Submission:

Labcorp Genetics (formerly Invitae), Labcorp
Classification: Uncertain significance. Last evaluated: 2025-11-16. Review status: criteria provided, single submitter. Criteria: Invitae Variant Classification Sherloc (09022015). Collection method: clinical testing. Allele origin: germline.
Comment: This sequence change falls in intron 2 of the COL13A1 gene. It does not directly change the encoded amino acid sequence of the COL13A1 protein. This variant is not present in population databases (gnomAD no frequency). This variant has not been reported in the literature in individuals affected with COL13A1-related conditions. Algorithms developed to predict the effect of sequence changes on RNA splicing suggest that this variant may disrupt the consensus splice site. In summary, the available evidence is currently insufficient to determine the role of this variant in disease. Therefore, it has been classified as a Variant of Uncertain Significance.